The following is an entry in ClinVar:

NM_001267550.2(TTN):c.100390G>A (p.Glu33464Lys)

Genes: TTN (titin; minus strand), TTN-AS1 (TTN antisense RNA 1; plus strand). Cytogenetic location: 2q31.2.
Variant type: single nucleotide variant.
Coding change: c.100390G>A on transcript NM_001267550.2 (MANE Select); coding-DNA position 100390, G replaced by A.
Protein change: p.Glu33464Lys; replaces glutamic acid 33464 with lysine.
Molecular consequence: missense variant.
Genome position (GRCh38, 1-based): chr2:178,536,357, C>T on the plus strand (G>A on the coding strand, the complement: TTN is on the minus strand). VCF-style: chr2-178536357-C-T. GRCh37 (hg19) VCF-style: chr2-179401084-C-T.
Other names: c.95467G>A, p.Glu31823Lys (NM_001256850.1); c.73195G>A, p.Glu24399Lys (NM_003319.4); c.92686G>A, p.Glu30896Lys (NM_133378.4); c.73570G>A, p.Glu24524Lys (NM_133432.3); c.73771G>A, p.Glu24591Lys (NM_133437.4); c.100390G>A (NM_001267550.1); short protein forms E33464K, E24399K, E30896K, E24524K, E24591K, E31823K.
Identifiers: ClinVar variation 535568 (VCV000535568.6), dbSNP rs374920916, ClinGen allele CA1986036.

ClinVar aggregate classification (germline): Uncertain significance. Review status: criteria provided, multiple submitters, no conflicts (2 of 4 stars). 4 submissions from 4 submitters: Uncertain significance (4). Last evaluated 2025-09-24.

Conditions:
TTN-related disorder. Also called: TTN-related condition; TTN-related disease; TTN-related disorders.
Dilated cardiomyopathy 1G (CMD1G). Identifiers: Orphanet 154, MedGen C1858763, MONDO:0011400, OMIM 604145.
Myopathy, myofibrillar, 9, with early respiratory failure (MFM9). Also called: Myopathy, distal, with early respiratory failure, autosomal dominant; EDSTROM MYOPATHY; Hereditary myopathy with early respiratory failure; MYOPATHY, PROXIMAL, WITH EARLY RESPIRATORY MUSCLE INVOLVEMENT. Identifiers: Orphanet 178464, Orphanet 34521, MedGen C1863599, MONDO:0011362, OMIM 603689.
Early-onset myopathy with fatal cardiomyopathy (CMYO5). Also called: CONGENITAL MYOPATHY 5 WITH CARDIOMYOPATHY; Salih Myopathy. Identifiers: Orphanet 289377, MedGen C2673677, MONDO:0012714, OMIM 611705. Disease mechanism: loss of function.
Autosomal recessive limb-girdle muscular dystrophy type 2J (LGMDR10). Also called: MUSCULAR DYSTROPHY, LIMB-GIRDLE, AUTOSOMAL RECESSIVE 10; Limb-girdle muscular dystrophy, type 2J. Identifiers: Orphanet 140922, MedGen C1837342, MONDO:0012127, OMIM 608807.
Hypertrophic cardiomyopathy 9. Also called: Familial hypertrophic cardiomyopathy 9. Identifiers: MedGen C1861065, MONDO:0013412, OMIM 613765.
Tibial muscular dystrophy (TMD). Also called: Udd Distal Myopathy – Tibial Muscular Dystrophy; Tibial muscular dystrophy, tardive; UDD MYOPATHY. Identifiers: Orphanet 609, MedGen C1838244, MONDO:0010870, OMIM 600334.

Allele frequency attached by ClinVar (database versions not stated): gnomAD exomes below 0.00001; ExAC 0.00001; gnomAD 0.00003; TOPMed 0.00004; ESP Exome Variant Server 0.00008.
gnomAD v4.1: 12 of 1,613,638 alleles (0.00074%); highest among the groups gnomAD compares: African/African-American, 0.0093%; no homozygotes.

Submissions (4):

PreventionGenetics, part of Exact Sciences
Classification: Uncertain significance for TTN-related condition. Last evaluated: 2025-09-24. Review status: criteria provided, single submitter. Criteria: ACMG Guidelines, 2015. Collection method: clinical testing. Allele origin: germline.
Comment: The TTN c.100390G>A variant is predicted to result in the amino acid substitution p.Glu33464Lys. To our knowledge, this variant has not been reported in the literature. This variant is reported in 0.010% of alleles in individuals of East Asian descent in gnomAD. Although we suspect that this variant may be benign, at this time, the clinical significance of this variant is uncertain due to the absence of conclusive functional and genetic evidence.

GeneDx
Classification: Uncertain significance. Last evaluated: 2024-11-25. Review status: criteria provided, single submitter. Criteria: GeneDx Variant Classification Process June 2021. Collection method: clinical testing. Allele origin: germline. Affected: yes.
Comment: Not observed at significant frequency in large population cohorts (gnomAD); Missense variant in a gene in which most reported pathogenic variants are truncating/loss of function; Has not been previously published as pathogenic or benign to our knowledge; This variant is associated with the following publications: (PMID: 22335739)

Fulgent Genetics
Classification: Uncertain significance for Tibial muscular dystrophy; Myopathy, myofibrillar, 9, with early respiratory failure; Dilated cardiomyopathy 1G; Autosomal recessive limb-girdle muscular dystrophy type 2J; Early-onset myopathy with fatal cardiomyopathy; Hypertrophic cardiomyopathy 9. Last evaluated: 2021-08-23. Review status: criteria provided, single submitter. Criteria: ACMG Guidelines, 2015. Collection method: clinical testing. Allele origin: unknown.

Labcorp Genetics (formerly Invitae), Labcorp
Classification: Uncertain significance for Dilated cardiomyopathy 1G; Autosomal recessive limb-girdle muscular dystrophy type 2J. Last evaluated: 2017-10-24. Review status: criteria provided, single submitter. Criteria: Invitae Variant Classification Sherloc (09022015). Collection method: clinical testing. Allele origin: germline.